The following is an entry in ClinVar:

NM_001042492.3(NF1):c.4314C>T (p.Gly1438=)

Gene: NF1 (neurofibromin 1; plus strand). Cytogenetic location: 17q11.2.
Variant type: single nucleotide variant.
Coding change: c.4314C>T on transcript NM_001042492.3 (MANE Select); coding-DNA position 4314, C replaced by T.
Protein change: p.Gly1438=; no amino-acid change (glycine 1438 retained).
Molecular consequence: synonymous variant.
Genome position (GRCh38, 1-based): chr17:31,258,484, C>T. VCF-style: chr17-31258484-C-T. GRCh37 (hg19) VCF-style: chr17-29585502-C-T.
Other names: c.4251C>T, p.Gly1417= (NM_000267.4).
Identifiers: ClinVar variation 480144 (VCV000480144.5), dbSNP rs1555618561, ClinGen allele CA499233542.

ClinVar aggregate classification (germline): Likely benign. Review status: criteria provided, single submitter (1 of 4 stars). 2 submissions from 1 submitter: Likely benign (2). Last evaluated 2016-07-15.

Conditions:
Hereditary cancer-predisposing syndrome. Also called: Hereditary Cancer Syndrome; Neoplastic Syndromes, Hereditary; Tumor predisposition; Hereditary neoplastic syndrome. Identifiers: Orphanet 140162, MedGen C0027672, MeSH D009386, MONDO:0015356.
Cardiovascular phenotype. Identifiers: MedGen CN230736.

Submissions (2):

Ambry Genetics
Classification: Likely benign for Hereditary cancer-predisposing syndrome. Last evaluated: 2016-07-15. Review status: criteria provided, single submitter. Criteria: Ambry Autosomal Dominant and X-Linked criteria (10/2015). Collection method: clinical testing. Allele origin: germline. Observed: 1 variant allele.
Comment: Synonymous alterations with insufficient evidence to classify as benign

Ambry Genetics
Classification: Likely benign for Cardiovascular phenotype; Hereditary cancer-predisposing syndrome. Last evaluated: 2016-07-15. Review status: criteria provided, single submitter. Criteria: Ambry Variant Classification Scheme 2023. Collection method: clinical testing. Allele origin: germline.